The following is an entry in ClinVar:

NM_207037.2(TCF12):c.592del (p.Ser198fs)

Gene: TCF12 (transcription factor 12; plus strand). Cytogenetic location: 15q21.3.
Variant type: Deletion.
Coding change: c.592del on transcript NM_207037.2 (MANE Select); coding-DNA position 592, one base deleted (T; older notation c.592delT).
Protein change: p.Ser198fs; shifts the reading frame from serine 198.
Molecular consequence: frameshift variant. On other transcripts: 5 prime UTR variant (1).
Genome position (GRCh38, 1-based): chr15:57,231,164, T deleted. VCF-style (leftmost placement, unchanged base first): chr15-57231163-AT-A. GRCh37 (hg19) VCF-style: chr15-57523361-AT-A.
Other names: c.592del, p.Ser198fs (NM_207036.2, NM_207038.2, NM_001322157.3 and 7 more transcripts); c.82del, p.Ser28fs (NM_207040.2, NM_001306219.3); c.418del, p.Ser140fs (NM_001322156.2, NM_001322158.2); c.628del, p.Ser210fs (NM_001322164.2); c.24del, p.Gln10fs (NM_001306220.3); c.-66del (NM_001322154.2); short protein forms Q10fs, S140fs, S198fs, S210fs, S28fs.
Identifiers: ClinVar variation 3389601 (VCV003389601.14).

ClinVar aggregate classification (germline): Pathogenic (1 of 4 stars; one submission).

Submission:

CeGaT Center for Human Genetics Tuebingen
Classification: Pathogenic. Last evaluated: 2024-09-01. Review status: criteria provided, single submitter. Criteria: CeGaT Center For Human Genetics Tuebingen Variant Classification Criteria Version 2. Collection method: clinical testing. Allele origin: germline. Affected: yes. Observed: 1 variant allele.
Comment: TCF12: PVS1, PM2, PS2:Supporting